The following is an entry in ClinVar:

NM_000169.3(GLA):c.610T>G (p.Trp204Gly)

Genes: GLA (galactosidase alpha; minus strand), RPL36A-HNRNPH2 (RPL36A-HNRNPH2 readthrough; plus strand). Cytogenetic location: Xq22.1.
Variant type: single nucleotide variant.
Coding change: c.610T>G on transcript NM_000169.3 (MANE Select); coding-DNA position 610, T replaced by G.
Protein change: p.Trp204Gly; replaces tryptophan 204 with glycine.
Molecular consequence: missense variant. On other transcripts: non-coding transcript variant (2), intron variant (2).
Genome position (GRCh38, 1-based): chrX:101,400,695, A>C on the plus strand (T>G on the coding strand, the complement: GLA is on the minus strand). VCF-style: chrX-101400695-A-C. GRCh37 (hg19) VCF-style: chrX-100655683-A-C.
Other names: c.733T>G, p.Trp245Gly (NM_001406747.1); c.610T>G, p.Trp204Gly (NM_001406748.1); c.300+5238A>C (NM_001199973.2); c.177+8873A>C (NM_001199974.2); short protein forms W204G, W245G.
Identifiers: ClinVar variation 4087432 (VCV004087432.2).

ClinVar aggregate classification (germline): Likely pathogenic (1 of 4 stars; one submission).

Conditions:
Fabry disease. Also called: ALPHA-GALACTOSIDASE A DEFICIENCY; ANDERSON-FABRY DISEASE; CERAMIDE TRIHEXOSIDASE DEFICIENCY; GLA DEFICIENCY; HEREDITARY DYSTOPIC LIPIDOSIS; Angiokeratoma corporis diffusum. Identifiers: Orphanet 324, MedGen C0002986, MONDO:0010526, OMIM 301500, HP:0001071. Disease mechanism: Fabry disease is due to inactivating mutations in the X-linked GLA gene resulting in deficiency of the enzyme Alpha Galactosidase-A., loss of function.

Submission:

Genomenon, Inc
Classification: Likely pathogenic for Fabry disease. Last evaluated: 2026-09-08. Review status: criteria provided, single submitter. Criteria: Genomenon Sequence Variant Interpretation Standards - Updated. Collection method: curation. Allele origin: germline. Affected: yes.
Comment: GLA p.Trp204Gly (c.610T>G) is a missense variant that changes the amino acid at codon 204 from Tryptophan to Glycine. This variant has been observed in at least one proband with clinical features consistent with Fabry disease (PMID:32843101). The variant was found to segregate with disease in at least one affected family (PMID:32843101). Functional or patient cell studies have been reported (PMID:32843101;33016649). This variant is located in a mutational hotspot and/or important functional domain. It is absent or not present at a significant frequency in gnomAD. In silico models predict that this variant is possibly or probably damaging. In conclusion, we classify GLA p.Trp204Gly (c.610T>G) as a likely pathogenic variant.

Literature cited by the submitters: PubMed 32843101; PubMed 33016649.